The following is an entry in ClinVar:

NM_018124.4(RFWD3):c.2299A>G (p.Met767Val)

Gene: RFWD3 (ring finger and WD repeat domain 3; minus strand). Cytogenetic location: 16q23.1.
Variant type: single nucleotide variant.
Coding change: c.2299A>G on transcript NM_018124.4 (MANE Select); coding-DNA position 2299, A replaced by G.
Protein change: p.Met767Val; replaces methionine 767 with valine.
Molecular consequence: missense variant.
Genome position (GRCh38, 1-based): chr16:74,623,954, T>C on the plus strand (A>G on the coding strand, the complement: RFWD3 is on the minus strand). VCF-style: chr16-74623954-T-C. GRCh37 (hg19) VCF-style: chr16-74657852-T-C.
Other names: c.2299A>G, p.Met767Val (NM_001370534.1, NM_001370535.1); c.2122A>G, p.Met708Val (NM_001370536.1); c.1465A>G, p.Met489Val (NM_001370537.1, NM_001370539.1, NM_001370540.1 and 3 more transcripts); c.2299A>G (NM_018124.3); short protein forms M767V, M489V, M708V.
Identifiers: ClinVar variation 2064152 (VCV002064152.24), dbSNP rs146574678, ClinGen allele CA8168924.

ClinVar aggregate classification (germline): Likely benign. Review status: criteria provided, multiple submitters, no conflicts (2 of 4 stars). 5 submissions from 5 submitters: Likely benign (4). 1 of the submissions does not count toward it. Last evaluated 2026-02-02.

Conditions:
Fanconi anemia, complementation group W. Identifiers: MedGen C4521564, MONDO:0044325, OMIM 617784.
RFWD3-related disorder. Also called: RFWD3-related condition.

Allele frequency attached by ClinVar (database versions not stated): 1000 Genomes Project 0.00040; 1000 Genomes Project 30x 0.00047; gnomAD 0.00049; TOPMed 0.00062; ExAC 0.00074; ESP Exome Variant Server 0.00085.
gnomAD v4.1: 1,125 of 1,614,118 alleles (0.07%); highest among the groups gnomAD compares: South Asian, 0.25%; 4 homozygotes.

Submissions (5):

Labcorp Genetics (formerly Invitae), Labcorp
Classification: Likely benign. Last evaluated: 2026-02-02. Review status: criteria provided, single submitter. Criteria: Invitae Variant Classification Sherloc (09022015). Collection method: clinical testing. Allele origin: germline.

Blueprint Genetics
Classification: Likely benign. Last evaluated: 2024-11-21. Review status: criteria provided, single submitter. Criteria: ACMG Guidelines, 2015. Collection method: clinical testing. Allele origin: germline.

CeGaT Center for Human Genetics Tuebingen
Classification: Likely benign. Last evaluated: 2024-07-01. Review status: criteria provided, single submitter. Criteria: CeGaT Center For Human Genetics Tuebingen Variant Classification Criteria Version 2. Collection method: clinical testing. Allele origin: germline. Affected: yes. Observed: 1 variant allele.
Comment: RFWD3: BP4, BS2

Department of Pathology and Laboratory Medicine, Sinai Health System
Classification: Likely benign for Fanconi anemia, complementation group W. Last evaluated: 2021-07-30. Review status: criteria provided, single submitter. Criteria: ACMG Guidelines, 2015. Collection method: research. Allele origin: germline.

PreventionGenetics, part of Exact Sciences
Classification: Likely benign for RFWD3-related condition. Last evaluated: 2022-06-11. Review status: no assertion criteria provided. Collection method: clinical testing. Allele origin: germline. Not counted in ClinVar's aggregate classification.
Comment: This variant is classified as likely benign based on ACMG/AMP sequence variant interpretation guidelines (Richards et al. 2015 PMID: 25741868, with internal and published modifications).